The following is an entry in ClinVar:

NM_145207.3(AFG2A):c.1045A>G (p.Lys349Glu)

Gene: AFG2A (AAA ATPase AFG2A; plus strand). Cytogenetic location: 4q28.1.
Variant type: single nucleotide variant.
Coding change: c.1045A>G on transcript NM_145207.3 (MANE Select); coding-DNA position 1045, A replaced by G.
Protein change: p.Lys349Glu; replaces lysine 349 with glutamic acid.
Molecular consequence: missense variant.
Genome position (GRCh38, 1-based): chr4:122,934,636, A>G. VCF-style: chr4-122934636-A-G. GRCh37 (hg19) VCF-style: chr4-123855791-A-G.
Other names: c.1042A>G, p.Lys348Glu (NM_001317799.2, NM_001345856.2); short protein forms K348E, K349E.
Identifiers: ClinVar variation 1025260 (VCV001025260.4), dbSNP rs953086848, ClinGen allele CA104813588.

ClinVar aggregate classification (germline): Uncertain significance (1 of 4 stars; one submission).

Conditions:
Microcephaly-intellectual disability-sensorineural hearing loss-epilepsy-abnormal muscle tone syndrome (NEDHSB). Also called: NEURODEVELOPMENTAL DISORDER WITH HEARING LOSS, SEIZURES, AND BRAIN ABNORMALITIES. Identifiers: Orphanet 457351, MedGen C4225276, MONDO:0014698, OMIM 616577.

Allele frequency attached by ClinVar (database versions not stated): gnomAD exomes below 0.00001; TOPMed below 0.00001; gnomAD 0.00001.
gnomAD v4.1: 2 of 1,613,794 alleles (0.00012%); highest among the groups gnomAD compares: African/African-American, 0.0013%; no homozygotes.

Submission:

Labcorp Genetics (formerly Invitae), Labcorp
Classification: Uncertain significance for Microcephaly-intellectual disability-sensorineural hearing loss-epilepsy-abnormal muscle tone syndrome. Last evaluated: 2022-08-13. Review status: criteria provided, single submitter. Criteria: Invitae Variant Classification Sherloc (09022015). Collection method: clinical testing. Allele origin: germline.
Comment: In summary, the available evidence is currently insufficient to determine the role of this variant in disease. Therefore, it has been classified as a Variant of Uncertain Significance. Advanced modeling of protein sequence and biophysical properties (such as structural, functional, and spatial information, amino acid conservation, physicochemical variation, residue mobility, and thermodynamic stability) performed at Invitae indicates that this missense variant is not expected to disrupt SPATA5 protein function. ClinVar contains an entry for this variant (Variation ID: 1025260). This variant has not been reported in the literature in individuals affected with SPATA5-related conditions. This variant is not present in population databases (gnomAD no frequency). This sequence change replaces lysine, which is basic and polar, with glutamic acid, which is acidic and polar, at codon 349 of the SPATA5 protein (p.Lys349Glu).